The following is an entry in ClinVar:

ClinVar aggregate classification (germline): Uncertain significance (1 of 4 stars; one submission).

Conditions:
Werner syndrome (WRN). Identifiers: Orphanet 902, MedGen C0043119, MONDO:0010196, OMIM 277700.

Allele frequency attached by ClinVar (database versions not stated): TOPMed 0.00001.
gnomAD v4.1: 1 of 1,613,676 alleles (0.000062%); highest among the groups gnomAD compares: Non-Finnish European, 0.000085%; no homozygotes.

Submission:

Labcorp Genetics (formerly Invitae), Labcorp
Classification: Uncertain significance for Werner syndrome. Last evaluated: 2021-12-13. Review status: criteria provided, single submitter. Criteria: Invitae Variant Classification Sherloc (09022015). Collection method: clinical testing. Allele origin: germline.
Comment: This sequence change replaces aspartic acid, which is acidic and polar, with tyrosine, which is neutral and polar, at codon 511 of the WRN protein (p.Asp511Tyr). This variant is present in population databases (rs368413625, gnomAD 0.0009%). This variant has not been reported in the literature in individuals affected with WRN-related conditions. ClinVar contains an entry for this variant (Variation ID: 650580). Algorithms developed to predict the effect of missense changes on protein structure and function are either unavailable or do not agree on the potential impact of this missense change (SIFT: "Not Available"; PolyPhen-2: "Possibly Damaging"; Align-GVGD: "Not Available"). In summary, the available evidence is currently insufficient to determine the role of this variant in disease. Therefore, it has been classified as a Variant of Uncertain Significance.

NM_000553.6(WRN):c.1531G>T (p.Asp511Tyr)

Gene: WRN (WRN RecQ like helicase; plus strand). Cytogenetic location: 8p12.
Variant type: single nucleotide variant.
Coding change: c.1531G>T on transcript NM_000553.6 (MANE Select); coding-DNA position 1531, G replaced by T.
Protein change: p.Asp511Tyr; replaces aspartic acid 511 with tyrosine.
Molecular consequence: missense variant.
Genome position (GRCh38, 1-based): chr8:31,087,875, G>T. VCF-style: chr8-31087875-G-T. GRCh37 (hg19) VCF-style: chr8-30945391-G-T.
Other names: short protein forms D511Y.
Identifiers: ClinVar variation 650580 (VCV000650580.6), dbSNP rs368413625, ClinGen allele CA4704395.